The following is an entry in ClinVar:

NM_145261.4(DNAJC19):c.142G>A (p.Gly48Ser)

Gene: DNAJC19 (DnaJ heat shock protein family (Hsp40) member C19; minus strand). Cytogenetic location: 3q26.33.
Variant type: single nucleotide variant.
Coding change: c.142G>A on transcript NM_145261.4 (MANE Select); coding-DNA position 142, G replaced by A.
Protein change: p.Gly48Ser; replaces glycine 48 with serine.
Molecular consequence: missense variant. On other transcripts: non-coding transcript variant (2).
Genome position (GRCh38, 1-based): chr3:180,987,010, C>T on the plus strand (G>A on the coding strand, the complement: DNAJC19 is on the minus strand). VCF-style: chr3-180987010-C-T. GRCh37 (hg19) VCF-style: chr3-180704798-C-T.
Other names: c.67G>A, p.Gly23Ser (NM_001190233.2); short protein forms G23S, G48S.
Identifiers: ClinVar variation 1479177 (VCV001479177.8), dbSNP rs781284254, ClinGen allele CA2717109.

ClinVar aggregate classification (germline): Uncertain significance (1 of 4 stars; one submission).

Conditions:
3-methylglutaconic aciduria type 5. Also called: MGA, TYPE V; CARDIOMYOPATHY, DILATED, WITH ATAXIA; 3 alpha methylglutaconic aciduria type V; MGA 5. Identifiers: Orphanet 66634, MedGen C1857776, MONDO:0012435, OMIM 610198.

Allele frequency attached by ClinVar (database versions not stated): gnomAD exomes below 0.00001; ExAC 0.00001; gnomAD 0.00001; TOPMed 0.00001.
gnomAD v4.1: 4 of 1,613,790 alleles (0.00025%); highest among the groups gnomAD compares: South Asian, 0.0011%; no homozygotes.

Submission:

Labcorp Genetics (formerly Invitae), Labcorp
Classification: Uncertain significance for 3-methylglutaconic aciduria type 5. Last evaluated: 2024-10-28. Review status: criteria provided, single submitter. Criteria: Invitae Variant Classification Sherloc (09022015). Collection method: clinical testing. Allele origin: germline.
Comment: This sequence change replaces glycine, which is neutral and non-polar, with serine, which is neutral and polar, at codon 48 of the DNAJC19 protein (p.Gly48Ser). This variant is present in population databases (rs781284254, gnomAD 0.003%). This variant has not been reported in the literature in individuals affected with DNAJC19-related conditions. ClinVar contains an entry for this variant (Variation ID: 1479177). An algorithm developed to predict the effect of missense changes on protein structure and function (PolyPhen-2) suggests that this variant is likely to be disruptive. In summary, the available evidence is currently insufficient to determine the role of this variant in disease. Therefore, it has been classified as a Variant of Uncertain Significance.